The following is an entry in ClinVar:

ClinVar aggregate classification (germline): Pathogenic (1 of 4 stars; one submission).

Conditions:
Breast-ovarian cancer, familial, susceptibility to, 4. Identifiers: Orphanet 145, MedGen C3280345, MONDO:0013669, OMIM 614291.

Submission:

Labcorp Genetics (formerly Invitae), Labcorp
Classification: Pathogenic for Breast-ovarian cancer, familial, susceptibility to, 4. Last evaluated: 2023-08-05. Review status: criteria provided, single submitter. Criteria: Invitae Variant Classification Sherloc (09022015). Collection method: clinical testing. Allele origin: germline.
Comment: This sequence change creates a premature translational stop signal (p.Gln18Serfs*22) in the RAD51D gene. It is expected to result in an absent or disrupted protein product. Loss-of-function variants in RAD51D are known to be pathogenic (PMID: 21822267). This variant is not present in population databases (gnomAD no frequency). This variant has not been reported in the literature in individuals affected with RAD51D-related conditions. For these reasons, this variant has been classified as Pathogenic.

Literature cited by the submitters: PubMed 21822267.

NM_002878.4(RAD51D):c.52del (p.Gln18fs)

Genes: RAD51D (RAD51 paralog D; minus strand), RAD51L3-RFFL (RAD51L3-RFFL readthrough; minus strand). Cytogenetic location: 17q12.
Variant type: Deletion.
Coding change: c.52del on transcript NM_002878.4 (MANE Select); coding-DNA position 52, one base deleted (C; older notation c.52delC).
Protein change: p.Gln18fs; shifts the reading frame from glutamine 18.
Molecular consequence: frameshift variant. On other transcripts: non-coding transcript variant (2).
Genome position (GRCh38, 1-based): chr17:35,119,562, G deleted on the plus strand (C on the coding strand, the reverse complement: RAD51D is on the minus strand); the first of 2 consecutive G bases (chr17:35,119,562-35,119,563); deleting either gives the same sequence. VCF-style (leftmost placement, unchanged base first): chr17-35119561-TG-T. GRCh37 (hg19) VCF-style: chr17-33446580-TG-T.
Other names: c.52del, p.Gln18fs (NM_001142571.2, NM_133629.3); short protein forms Q18fs.
Identifiers: ClinVar variation 2807464 (VCV002807464.3), dbSNP rs2142480422, ClinGen allele CA2733449098.